The following is an entry in ClinVar:

ClinVar aggregate classification (germline): Uncertain significance. Review status: criteria provided, multiple submitters, no conflicts (2 of 4 stars). 4 submissions from 4 submitters: Uncertain significance (4). Last evaluated 2025-12-10.

Conditions:
ATM-related disorder. Also called: ATM-related disorders; ATM-related condition.
Hereditary cancer-predisposing syndrome. Also called: Neoplastic Syndromes, Hereditary; Tumor predisposition; Hereditary Cancer Syndrome; Hereditary neoplastic syndrome. Identifiers: Orphanet 140162, MedGen C0027672, MeSH D009386, MONDO:0015356.
Ataxia-telangiectasia syndrome (AT). Also called: Ataxia telangiectasia (A-T); ATAXIA-TELANGIECTASIA, COMPLEMENTATION GROUP A; ATAXIA-TELANGIECTASIA, FRESNO VARIANT; Ataxia-telangiectasia; Ataxia-telangiectasia, complementation group E; LOUIS-BAR SYNDROME. Identifiers: Orphanet 100, MedGen C0004135, MONDO:0008840, OMIM 208900.

Allele frequency attached by ClinVar (database versions not stated): gnomAD 0.00001.
gnomAD v4.1: 2 of 1,613,898 alleles (0.00012%); highest among the groups gnomAD compares: Non-Finnish European, 0.00017%; no homozygotes.

Submissions (4):

Labcorp Genetics (formerly Invitae), Labcorp
Classification: Uncertain significance for Ataxia-telangiectasia syndrome. Last evaluated: 2025-12-10. Review status: criteria provided, single submitter. Criteria: Invitae Variant Classification Sherloc (09022015). Collection method: clinical testing. Allele origin: germline.
Comment: This sequence change replaces leucine, which is neutral and non-polar, with tryptophan, which is neutral and slightly polar, at codon 2557 of the ATM protein (p.Leu2557Trp). This variant is not present in population databases (gnomAD no frequency). This variant has not been reported in the literature in individuals affected with ATM-related conditions. ClinVar contains an entry for this variant (Variation ID: 1055422). Invitae Evidence Modeling of protein sequence and biophysical properties (such as structural, functional, and spatial information, amino acid conservation, physicochemical variation, residue mobility, and thermodynamic stability) indicates that this missense variant is expected to disrupt ATM protein function with a positive predictive value of 95%. In summary, the available evidence is currently insufficient to determine the role of this variant in disease. Therefore, it has been classified as a Variant of Uncertain Significance.

Ambry Genetics
Classification: Uncertain significance for Hereditary cancer-predisposing syndrome. Last evaluated: 2025-10-19. Review status: criteria provided, single submitter. Criteria: Ambry Variant Classification Scheme 2023. Collection method: clinical testing. Allele origin: germline.
Comment: The p.L2557W variant (also known as c.7670T>G), located in coding exon 51 of the ATM gene, results from a T to G substitution at nucleotide position 7670. The leucine at codon 2557 is replaced by tryptophan, an amino acid with similar properties. This amino acid position is conserved. In addition, this alteration is predicted to be deleterious by in silico analysis. Based on the available evidence, the clinical significance of this variant remains unclear.

PreventionGenetics, part of Exact Sciences
Classification: Uncertain significance for ATM-related condition. Last evaluated: 2023-09-11. Review status: criteria provided, single submitter. Criteria: ACMG Guidelines, 2015. Collection method: clinical testing. Allele origin: germline.
Comment: The ATM c.7670T>G variant is predicted to result in the amino acid substitution p.Leu2557Trp. To our knowledge, this variant has not been reported in the literature or in a large population database, indicating this variant is rare. At this time, the clinical significance of this variant is uncertain due to the absence of conclusive functional and genetic evidence.

GeneDx
Classification: Uncertain significance. Last evaluated: 2019-06-14. Review status: criteria provided, single submitter. Criteria: GeneDx Variant Classification Process June 2021. Collection method: clinical testing. Allele origin: germline. Affected: yes.
Comment: Not observed in large population cohorts (Lek et al., 2016); In silico analysis, which includes protein predictors and evolutionary conservation, supports a deleterious effect; Has not been previously published as pathogenic or benign to our knowledge

NM_000051.4(ATM):c.7670T>G (p.Leu2557Trp)

Genes: C11orf65 (chromosome 11 open reading frame 65; minus strand), ATM (ATM serine/threonine kinase; plus strand). Cytogenetic location: 11q22.3.
Variant type: single nucleotide variant.
Coding change: c.7670T>G on transcript NM_000051.4 (MANE Select); coding-DNA position 7670, T replaced by G.
Protein change: p.Leu2557Trp; replaces leucine 2557 with tryptophan.
Molecular consequence: missense variant. On other transcripts: intron variant (2).
Genome position (GRCh38, 1-based): chr11:108,331,919, T>G. VCF-style: chr11-108331919-T-G. GRCh37 (hg19) VCF-style: chr11-108202646-T-G.
Other names: c.7670T>G, p.Leu2557Trp (NM_001351834.2); c.641-22848A>C (NM_001330368.2); c.*38+3301A>C (NM_001351110.2); short protein forms L2557W.
Identifiers: ClinVar variation 1055422 (VCV001055422.12), dbSNP rs2086293039, ClinGen allele CA382560971.